The following is an entry in ClinVar:

NM_004991.4(MECOM):c.818C>T (p.Pro273Leu)

Gene: MECOM (MDS1 and EVI1 complex locus; minus strand). Cytogenetic location: 3q26.2.
Variant type: single nucleotide variant.
Coding change: c.818C>T on transcript NM_004991.4 (MANE Select); coding-DNA position 818, C replaced by T.
Protein change: p.Pro273Leu; replaces proline 273 with leucine.
Molecular consequence: missense variant.
Genome position (GRCh38, 1-based): chr3:169,127,856, G>A on the plus strand (C>T on the coding strand, the complement: MECOM is on the minus strand). VCF-style: chr3-169127856-G-A. GRCh37 (hg19) VCF-style: chr3-168845644-G-A.
Other names: c.446C>T, p.Pro149Leu (NM_001105077.4); c.254C>T, p.Pro85Leu (NM_001105078.4, NM_001163999.2, NM_001164000.2 and 9 more transcripts); c.818C>T, p.Pro273Leu (NM_001366466.2, NM_001366473.2); short protein forms P273L, P85L, P149L.
Identifiers: ClinVar variation 3871658 (VCV003871658.1).

ClinVar aggregate classification (germline): Uncertain significance (1 of 4 stars; one submission).

Conditions:
Inborn genetic diseases. Identifiers: MedGen C0950123, MeSH D030342.

Submission:

Ambry Genetics
Classification: Uncertain significance for Inborn genetic diseases. Last evaluated: 2025-01-03. Review status: criteria provided, single submitter. Criteria: Ambry Variant Classification Scheme 2023. Collection method: clinical testing. Allele origin: germline.
Comment: The p.P273L variant (also known as c.818C>T), located in coding exon 5 of the MECOM gene, results from a C to T substitution at nucleotide position 818. The proline at codon 273 is replaced by leucine, an amino acid with similar properties. This amino acid position is conserved. In addition, this alteration is predicted to be tolerated by in silico analysis. Based on the available evidence, the clinical significance of this variant remains unclear.